The following is an entry in ClinVar:

NM_004239.4(TRIP11):c.2467_2470del (p.Arg823fs)

Gene: TRIP11 (thyroid hormone receptor interactor 11; minus strand). Cytogenetic location: 14q32.12.
Variant type: Microsatellite.
Coding change: c.2467_2470del on transcript NM_004239.4 (MANE Select); coding-DNA positions 2467 to 2470, 4 bases deleted (AGAA; older notation c.2467_2470delAGAA).
Protein change: p.Arg823fs; shifts the reading frame from arginine 823.
Molecular consequence: frameshift variant.
Genome position (GRCh38, 1-based): chr14:92,005,506-92,005,509, TTCT deleted on the plus strand (AGAA on the coding strand, the reverse complement: TRIP11 is on the minus strand); deleting any 4 consecutive bases within chr14:92,005,506-92,005,515 gives the same sequence; the c. name uses the placement nearest the transcript's 3' end. VCF-style (leftmost placement, unchanged base first): chr14-92005505-CTTCT-C. GRCh37 (hg19) VCF-style: chr14-92471849-CTTCT-C.
Other names: c.2464_2467del, p.Arg822fs (NM_001321851.1); c.2467_2470delAGAA (NM_004239.3); short protein forms R822fs, R823fs.
Identifiers: ClinVar variation 546569 (VCV000546569.12), dbSNP rs764561670, ClinGen allele CA7313770.

ClinVar aggregate classification (germline): Pathogenic/Likely pathogenic. Review status: criteria provided, multiple submitters, no conflicts (2 of 4 stars). 5 submissions from 5 submitters: Pathogenic (4); Likely pathogenic (1). Last evaluated 2025-05-28.

Conditions:
Achondrogenesis, type IA (ACG1A). Identifiers: Orphanet 932, Orphanet 93299, MedGen C0265273, MONDO:0008701, OMIM 200600.
TRIP11-related disorder. Also called: TRIP11-related condition; TRIP11-Related Disorders.
Odontochondrodysplasia 1. Identifiers: Orphanet 166272, MedGen C5542277, MONDO:0100325, OMIM 184260.

Submissions (5):

GeneDx
Classification: Pathogenic. Last evaluated: 2025-05-28. Review status: criteria provided, single submitter. Criteria: GeneDx Variant Classification Process June 2021. Collection method: clinical testing. Allele origin: germline. Affected: yes.
Comment: Frameshift variant predicted to result in protein truncation or nonsense mediated decay in a gene for which loss-of-function is a known mechanism of disease; Not observed at significant frequency in large population cohorts (gnomAD); Identified in the heterozygous state in the germline of an individual with late-onset colorectal cancer in the published literature (PMID: 40429818); Has not been previously reported in association with TRIP11-related skeletal dysplasia to our knowledge; This variant is associated with the following publications: (PMID: 40429818, 31589614)

Blueprint Genetics
Classification: Likely pathogenic for TRIP11-related disorders. Last evaluated: 2023-11-07. Review status: criteria provided, single submitter. Criteria: ACMG Guidelines, 2015. Collection method: clinical testing. Allele origin: germline. Affected: yes. Observed: 5 variant alleles.

Labcorp Genetics (formerly Invitae), Labcorp
Classification: Pathogenic for Achondrogenesis, type IA. Last evaluated: 2021-11-30. Review status: criteria provided, single submitter. Criteria: Invitae Variant Classification Sherloc (09022015). Collection method: clinical testing. Allele origin: germline.
Comment: For these reasons, this variant has been classified as Pathogenic. ClinVar contains an entry for this variant (Variation ID: 546569). This variant has not been reported in the literature in individuals affected with TRIP11-related conditions. This variant is present in population databases (rs764561670, gnomAD 0.002%). This sequence change creates a premature translational stop signal (p.Arg823Valfs*15) in the TRIP11 gene. It is expected to result in an absent or disrupted protein product. Loss-of-function variants in TRIP11 are known to be pathogenic (PMID: 20089971, 23956106).

Revvity Omics, Revvity
Classification: Pathogenic. Last evaluated: 2019-09-24. Review status: criteria provided, single submitter. Criteria: ACMG Guidelines, 2015. Collection method: clinical testing. Allele origin: germline.

Juno Genomics, Hangzhou Juno Genomics, Inc
Classification: Pathogenic for Achondrogenesis, type IA; Odontochondrodysplasia 1. Review status: criteria provided, single submitter. Criteria: ACMG Guidelines, 2015. Collection method: clinical testing. Allele origin: germline. Affected: yes.
Comment: Absent from controls (or at extremely low frequency if recessive) in Genome Aggregation Database, Exome Sequencing Project, 1000 Genomes Project, or Exome Aggregation Consortium.;Null variant in a gene where loss of function (LOF) is a known mechanism of disease.;For recessive disorders, detected in trans with a pathogenic variant.

Literature cited by the submitters: PubMed 20089971 (cited by Labcorp Genetics (formerly Invitae), Labcorp); PubMed 23956106 (cited by Labcorp Genetics (formerly Invitae), Labcorp).